The following is an entry in ClinVar:

NM_001369.3(DNAH5):c.7088A>G (p.Asn2363Ser)

Gene: DNAH5 (dynein axonemal heavy chain 5; minus strand). Cytogenetic location: 5p15.2.
Variant type: single nucleotide variant.
Coding change: c.7088A>G on transcript NM_001369.3 (MANE Select); coding-DNA position 7088, A replaced by G.
Protein change: p.Asn2363Ser; replaces asparagine 2363 with serine.
Molecular consequence: missense variant.
Genome position (GRCh38, 1-based): chr5:13,814,747, T>C on the plus strand (A>G on the coding strand, the complement: DNAH5 is on the minus strand). VCF-style: chr5-13814747-T-C. GRCh37 (hg19) VCF-style: chr5-13814856-T-C.
Other names: short protein forms N2363S.
Identifiers: ClinVar variation 1029325 (VCV001029325.4), dbSNP rs910750925, ClinGen allele CA113925351.

ClinVar aggregate classification (germline): Uncertain significance. Review status: criteria provided, multiple submitters, no conflicts (2 of 4 stars). 2 submissions from 2 submitters: Uncertain significance (2). Last evaluated 2025-08-03.

Conditions:
Primary ciliary dyskinesia. Also called: Ciliary dyskinesia. Identifiers: Orphanet 244, MedGen C0008780, MONDO:0016575, HP:0012265.
Primary ciliary dyskinesia 3. Identifiers: Orphanet 244, MedGen C1837618, MONDO:0012085, OMIM 608644.

Allele frequency attached by ClinVar (database versions not stated): gnomAD exomes 0.00001; TOPMed 0.00008.
gnomAD v4.1: 18 of 1,614,100 alleles (0.0011%); highest among the groups gnomAD compares: Admixed American, 0.005%; no homozygotes.

Submissions (2):

Ambry Genetics
Classification: Uncertain significance for Primary ciliary dyskinesia. Last evaluated: 2025-08-03. Review status: criteria provided, single submitter. Criteria: Ambry Variant Classification Scheme 2023. Collection method: clinical testing. Allele origin: germline.

Baylor Genetics
Classification: Uncertain significance for Primary ciliary dyskinesia 3. Last evaluated: 2019-05-01. Review status: criteria provided, single submitter. Criteria: ACMG Guidelines, 2015. Collection method: clinical testing. Allele origin: unknown. Affected: yes.
Comment: This variant was determined to be of uncertain significance according to ACMG Guidelines, 2015 [PMID:25741868].